The following is an entry in ClinVar:

NM_031448.6(C19orf12):c.146C>T (p.Pro49Leu)

Gene: C19orf12 (chromosome 19 open reading frame 12; minus strand). Cytogenetic location: 19q12.
Variant type: single nucleotide variant.
Coding change: c.146C>T on transcript NM_031448.6 (MANE Select); coding-DNA position 146, C replaced by T.
Protein change: p.Pro49Leu; replaces proline 49 with leucine.
Molecular consequence: missense variant. On other transcripts: 5 prime UTR variant (1), intron variant (2).
Genome position (GRCh38, 1-based): chr19:29,708,268, G>A on the plus strand (C>T on the coding strand, the complement: C19orf12 is on the minus strand). VCF-style: chr19-29708268-G-A. GRCh37 (hg19) VCF-style: chr19-30199175-G-A.
Other names: NP_001026896.2:p.Pro60Leu; c.146C>T, p.Pro49Leu (NM_001031726.4, NM_001256046.3, NM_001256047.2); c.-168C>T (NM_001282931.3); c.-32-5291C>T (NM_001282929.1, NM_001282930.3); short protein forms P49L.
Identifiers: ClinVar variation 1303534 (VCV001303534.3), dbSNP rs1424999393, ClinGen allele CA405145396.

ClinVar aggregate classification (germline): Uncertain significance. Review status: criteria provided, multiple submitters, no conflicts (2 of 4 stars). 2 submissions from 2 submitters: Uncertain significance (2). Last evaluated 2024-09-01.

Conditions:
Neurodegeneration with brain iron accumulation 4 (NBIA4). Also called: MITOCHONDRIAL PROTEIN-ASSOCIATED NEURODEGENERATION. Identifiers: Orphanet 289560, MedGen C3280371, MONDO:0013674, OMIM 614298. Disease mechanism: loss of function.

Allele frequency attached by ClinVar (database versions not stated): gnomAD 0.00001 and 0.00002; gnomAD exomes 0.00001 and 0.00004; TOPMed 0.00002.
gnomAD v4.1: 62 of 1,612,096 alleles (0.0038%); highest among the groups gnomAD compares: Non-Finnish European, 0.0048%; no homozygotes.

Submissions (2):

Institute of Bioinformatics
Classification: Uncertain significance for Neurodegeneration with brain iron accumulation 4. Last evaluated: 2024-09-01. Review status: criteria provided, single submitter. Criteria: ACMG Guidelines, 2015. Collection method: clinical testing. Allele origin: unknown. Inheritance: Autosomal recessive inheritance. Affected: yes.
Comment: The variant p.Pro60Leu is a non-truncating non-synonymous variant is located in a mutational hot spot (PM1). It is is located on the transmembrane domain adjacent to the highly conserved glycine zipper motif in the C19orf12 protein crucial for stability and function. It has low frequency in the large population database (PM2: gnomAD AF= 0.00001211). PP2= Missense variant in a gene with low rate of benign missense mutations and for which missense mutation is a common mechanism of a disease. This variant was previously reported in a compound heterozygous state in a patient with typical MPAN characteristics (PMID:23269600)

GeneDx
Classification: Uncertain significance. Last evaluated: 2021-04-23. Review status: criteria provided, single submitter. Criteria: GeneDx Variant Classification Process June 2021. Collection method: clinical testing. Allele origin: germline. Affected: yes.
Comment: Identified along with a second variant in C19orf12 in an individual with neurodegeneration with brain iron accumulation, although detailed clinical information was not provided (Hogarth et al., 2013); Not observed at a significant frequency in large population cohorts (Lek et al., 2016); In silico analysis supports that this missense variant has a deleterious effect on protein structure/function; This variant is associated with the following publications: (PMID: 23269600)